The following is an entry in ClinVar:

NM_182914.3(SYNE2):c.1792C>A (p.Leu598Ile)

Gene: SYNE2 (spectrin repeat containing nuclear envelope protein 2; plus strand). Cytogenetic location: 14q23.2.
Variant type: single nucleotide variant.
Coding change: c.1792C>A on transcript NM_182914.3 (MANE Select); coding-DNA position 1792, C replaced by A.
Protein change: p.Leu598Ile; replaces leucine 598 with isoleucine.
Molecular consequence: missense variant.
Genome position (GRCh38, 1-based): chr14:63,981,129, C>A. VCF-style: chr14-63981129-C-A. GRCh37 (hg19) VCF-style: chr14-64447847-C-A.
Other names: c.1792C>A, p.Leu598Ile (NM_015180.6); short protein forms L598I.
Identifiers: ClinVar variation 2160321 (VCV002160321.4), dbSNP rs2096582192, ClinGen allele CA389960931.

ClinVar aggregate classification (germline): Uncertain significance (1 of 4 stars; one submission).

Conditions:
Emery-Dreifuss muscular dystrophy 5, autosomal dominant (EDMD5). Also called: EMERY-DREIFUSS MUSCULAR DYSTROPHY 5. Identifiers: Orphanet 261, MedGen C2751805, MONDO:0013072, OMIM 612999.

Allele frequency attached by ClinVar (database versions not stated): TOPMed below 0.00001.
gnomAD v4.1: 1 of 1,613,730 alleles (0.000062%); no homozygotes.

Submission:

Labcorp Genetics (formerly Invitae), Labcorp
Classification: Uncertain significance for Emery-Dreifuss muscular dystrophy 5, autosomal dominant. Last evaluated: 2024-01-08. Review status: criteria provided, single submitter. Criteria: Invitae Variant Classification Sherloc (09022015). Collection method: clinical testing. Allele origin: germline.
Comment: This sequence change replaces leucine, which is neutral and non-polar, with isoleucine, which is neutral and non-polar, at codon 598 of the SYNE2 protein (p.Leu598Ile). This variant is not present in population databases (gnomAD no frequency). This variant has not been reported in the literature in individuals affected with SYNE2-related conditions. ClinVar contains an entry for this variant (Variation ID: 2160321). An algorithm developed to predict the effect of missense changes on protein structure and function (PolyPhen-2) suggests that this variant is likely to be tolerated. In summary, the available evidence is currently insufficient to determine the role of this variant in disease. Therefore, it has been classified as a Variant of Uncertain Significance.